The following is an entry in ClinVar:

NM_002519.3(NPAT):c.1301C>T (p.Thr434Ile)

Gene: NPAT (nuclear protein, coactivator of histone transcription; minus strand). Cytogenetic location: 11q22.3.
Variant type: single nucleotide variant.
Coding change: c.1301C>T on transcript NM_002519.3 (MANE Select); coding-DNA position 1301, C replaced by T.
Protein change: p.Thr434Ile; replaces threonine 434 with isoleucine.
Molecular consequence: missense variant.
Genome position (GRCh38, 1-based): chr11:108,173,683, G>A on the plus strand (C>T on the coding strand, the complement: NPAT is on the minus strand). VCF-style: chr11-108173683-G-A. GRCh37 (hg19) VCF-style: chr11-108044410-G-A.
Other names: c.1301C>T, p.Thr434Ile (NM_001321307.1); short protein forms T434I.
Identifiers: ClinVar variation 3407228 (VCV003407228.1).

ClinVar aggregate classification (germline): Uncertain significance (1 of 4 stars; one submission).

Submission:

Ambry Genetics
Classification: Uncertain significance. Last evaluated: 2024-09-26. Review status: criteria provided, single submitter. Criteria: Ambry Variant Classification Scheme 2023. Collection method: clinical testing. Allele origin: germline.
Comment: The p.T434I variant (also known as c.1301C>T), located in coding exon 13 of the NPAT gene, results from a C to T substitution at nucleotide position 1301. The threonine at codon 434 is replaced by isoleucine, an amino acid with similar properties. This amino acid position is conserved. In addition, this alteration is predicted to be tolerated by in silico analysis. Based on the available evidence, the clinical significance of this variant remains unclear.